The following is an entry in ClinVar:

ClinVar aggregate classification (germline): Uncertain significance (1 of 4 stars; one submission).

Conditions:
Cardiomyopathy (CMYO). Also called: Cardiomyopathies. Identifiers: Orphanet 167848, MedGen C0878544, MONDO:0004994, HP:0001638. Inheritance: Various modes of inheritance.

Submission:

Color Diagnostics, LLC DBA Color Health
Classification: Uncertain significance for Cardiomyopathy. Last evaluated: 2023-12-04. Review status: criteria provided, single submitter. Criteria: ACMG Guidelines, 2015. Collection method: clinical testing. Allele origin: germline.
Comment: Variant of Uncertain Significance due to insufficient evidence: This missense variant is located in the Ig-like domain C2 of the MYBPC3 protein. Computational prediction tools and conservation analyses are inconclusive regarding the impact of this variant on the protein function. Computational splicing tools suggest that this variant may not impact RNA splicing. To our knowledge, functional assays have not been performed for this variant nor has this variant been reported in individuals affected with cardiovascular disorders in the literature. This variant is rare in the general population and has been identified in 0/277264 chromosomes by the Genome Aggregation Database (gnomAD). Available evidence is insufficient to determine the pathogenicity of this variant conclusively.

NM_000256.3(MYBPC3):c.1254G>C (p.Lys418Asn)

Gene: MYBPC3 (myosin binding protein C3; minus strand). Cytogenetic location: 11p11.2.
Variant type: single nucleotide variant.
Coding change: c.1254G>C on transcript NM_000256.3 (MANE Select); coding-DNA position 1254, G replaced by C.
Protein change: p.Lys418Asn; replaces lysine 418 with asparagine.
Molecular consequence: missense variant.
Genome position (GRCh38, 1-based): chr11:47,343,118, C>G on the plus strand (G>C on the coding strand, the complement: MYBPC3 is on the minus strand). VCF-style: chr11-47343118-C-G. GRCh37 (hg19) VCF-style: chr11-47364669-C-G.
Other names: short protein forms K418N.
Identifiers: ClinVar variation 927020 (VCV000927020.5), dbSNP rs2095890764, ClinGen allele CA380327622.
Genomic context (GRCh38, chr11:47,343,118, plus strand): 5'-CACCACGCACTGGTAGGCTGCGTCGTCCGCCAATGAGCACTGGCTGATGGTCAGGGTACG[C>G]TTGGCACCGATGGACTCAAAGATGTACCTGGGTGGGGGCCGCAGGGAAGTGGCAGGAAAG-3'
Protein context (NP_000247.2, residues 408-428): SKYIFESIGA[Lys418Asn]RTLTISQCSL